The following is an entry in ClinVar:

ClinVar aggregate classification (germline): Uncertain significance (1 of 4 stars; one submission).

Submission:

GeneDx
Classification: Uncertain significance. Last evaluated: 2023-04-12. Review status: criteria provided, single submitter. Criteria: GeneDx Variant Classification Process June 2021. Collection method: clinical testing. Allele origin: germline. Affected: yes.
Comment: In-frame deletion of 4 amino acids in a non-repeat region; Not observed at significant frequency in large population cohorts (gnomAD); In silico analysis supports that this variant does not alter protein structure/function; Has not been previously published as pathogenic or benign to our knowledge

NM_001042681.2(RERE):c.2465_2476del (p.Pro822_Pro825del)

Gene: RERE (arginine-glutamic acid dipeptide repeats; minus strand). Cytogenetic location: 1p36.23.
Variant type: Deletion.
Coding change: c.2465_2476del on transcript NM_001042681.2 (MANE Select); coding-DNA positions 2465 to 2476, 12 bases deleted (CACATCCCCCGC).
Protein change: p.Pro822_Pro825del.
Molecular consequence: inframe deletion.
Genome position (GRCh38, 1-based): chr1:8,361,031-8,361,042, GCGGGGGATGTG deleted on the plus strand (CACATCCCCCGC on the coding strand, the reverse complement: RERE is on the minus strand); deleting any 12 consecutive bases within chr1:8,361,031-8,361,045 gives the same sequence; the c. name uses the placement nearest the transcript's 3' end. VCF-style (leftmost placement, unchanged base first): chr1-8361030-AGCGGGGGATGTG-A. GRCh37 (hg19) VCF-style: chr1-8421090-AGCGGGGGATGTG-A.
Other names: c.803_814del, p.Pro268_Pro271del (NM_001042682.2); c.2465_2476del, p.Pro822_Pro825del (NM_012102.4).
Identifiers: ClinVar variation 2662795 (VCV002662795.1), dbSNP rs1557587054, ClinGen allele CA2643067098.
Genomic context (GRCh38, chr1:8,361,030, plus strand): 5'-AGTGGGGGCTGGGCATGAGAGGGTGCAGAAGGCTGGCCCGCCGACCCAGTCAGAGGCTGC[AGCGGGGGATGTG>A]GCGAGGGATGCGGCGGGGGATGCGGTGAGGGCGGCCGCTGGGGGTGCAAGGCCGGTGCCT-3'